The following is an entry in ClinVar:

NM_005120.3(MED12):c.322C>T (p.Arg108Ter)

Gene: MED12 (mediator complex subunit 12; plus strand). Cytogenetic location: Xq13.1.
Variant type: single nucleotide variant.
Coding change: c.322C>T on transcript NM_005120.3 (MANE Select); coding-DNA position 322, C replaced by T.
Protein change: p.Arg108Ter; replaces arginine 108 with a stop codon.
Molecular consequence: nonsense.
Genome position (GRCh38, 1-based): chrX:71,119,803, C>T. VCF-style: chrX-71119803-C-T. GRCh37 (hg19) VCF-style: chrX-70339653-C-T.
Other names: short protein forms R108*.
Identifiers: ClinVar variation 1210230 (VCV001210230.2), dbSNP rs2147773440, ClinGen allele CA413499361.

ClinVar aggregate classification (germline): not provided (0 of 4 stars; one submission).

Conditions:
FG syndrome 1 (OKS). Also called: OPITZ-KAVEGGIA SYNDROME; KELLER SYNDROME; MENTAL RETARDATION, LARGE HEAD, IMPERFORATE ANUS, CONGENITAL HYPOTONIA, AND PARTIAL AGENESIS OF CORPUS CALLOSUM; FG Syndrome Type 1 (FGS1). Identifiers: Orphanet 93932, MedGen C5399762, MONDO:0010590, OMIM 305450.

Submission:

GeneReviews
No classification provided. Condition: FG syndrome. Review status: no classification provided. Collection method: literature only. Allele origin: germline.

Literature cited by the submitters: PubMed 33244166; PubMed 20301719.